The following is an entry in ClinVar:

NM_014956.5(CEP164):c.3270C>T (p.Tyr1090=)

Gene: CEP164 (centrosomal protein 164; plus strand). Cytogenetic location: 11q23.3.
Variant type: single nucleotide variant.
Coding change: c.3270C>T on transcript NM_014956.5 (MANE Select); coding-DNA position 3270, C replaced by T.
Protein change: p.Tyr1090=; no amino-acid change (tyrosine 1090 retained).
Molecular consequence: synonymous variant.
Genome position (GRCh38, 1-based): chr11:117,396,603, C>T. VCF-style: chr11-117396603-C-T. GRCh37 (hg19) VCF-style: chr11-117267319-C-T.
Other names: c.3279C>T, p.Tyr1093= (NM_001271933.2).
Identifiers: ClinVar variation 3046047 (VCV003046047.4), dbSNP rs2045502889, ClinGen allele CA476898143.

ClinVar aggregate classification (germline): Likely benign. Review status: criteria provided, single submitter (1 of 4 stars). 2 submissions from 2 submitters: Likely benign (1). 1 of the submissions does not count toward it. Last evaluated 2025-01-07.

Conditions:
CEP164-related disorder. Also called: CEP164-related condition.
Nephronophthisis 15 (NPHP15). Identifiers: Orphanet 3156, MedGen C3541853, MONDO:0013917, OMIM 614845.

Allele frequency attached by ClinVar (database versions not stated): gnomAD exomes below 0.00001; gnomAD 0.00002.
gnomAD v4.1: 7 of 1,613,024 alleles (0.00043%); highest among the groups gnomAD compares: African/African-American, 0.0053%; no homozygotes.

Submissions (2):

Labcorp Genetics (formerly Invitae), Labcorp
Classification: Likely benign for Nephronophthisis 15. Last evaluated: 2025-01-07. Review status: criteria provided, single submitter. Criteria: Invitae Variant Classification Sherloc (09022015). Collection method: clinical testing. Allele origin: germline.

PreventionGenetics, part of Exact Sciences
Classification: Likely benign for CEP164-related condition. Last evaluated: 2023-08-24. Review status: no assertion criteria provided. Collection method: clinical testing. Allele origin: germline. Not counted in ClinVar's aggregate classification.
Comment: This variant is classified as likely benign based on ACMG/AMP sequence variant interpretation guidelines (Richards et al. 2015 PMID: 25741868, with internal and published modifications).